The following continues an entry in ClinVar:

NM_000051.4(ATM):c.7463G>A (p.Cys2488Tyr)

ClinVar aggregate classification (germline): Conflicting classifications of pathogenicity. Pathogenic (1); Likely pathogenic (1); Uncertain significance (13).

Submissions 11 to 15 of 15:

Women's Health and Genetics/Laboratory Corporation of America, LabCorp
Classification: Uncertain significance. Last evaluated: 2023-11-02. Review status: criteria provided, single submitter. Criteria: LabCorp Variant Classification Summary - May 2015. Collection method: clinical testing. Allele origin: germline.
Comment: Variant summary: ATM c.7463G>A (p.Cys2488Tyr) results in a non-conservative amino acid change located in the PIK-related kinase, FAT domain (IPR003151) of the encoded protein sequence. Five of five in-silico tools predict a damaging effect of the variant on protein function. The variant allele was found at a frequency of 8e-06 in 251500 control chromosomes (gnomAD and publications). The available data on variant occurrences in the general population are insufficient to allow any conclusion about variant significance. c.7463G>A has been reported in the literature, primarily in settings of multigene panel testing, in individuals affected with CLL wherein some cases likely have been reported in multiple publications (e.g. Navrkalova_2013, Sutton_2015, te Raa_2015, Spunarova_2019, Tausch_2020, Petrackova_2022, Lampson_2023), in individuals with breast and/or ovarian cancer (e.g. Lhota_2016, Lu_2018), in at least one individual with prostate cancer (e.g. Brady_2022) and in individuals with various other cancer types (e.g. Susswein_2015, Hu_2018, Zhang_2023), all without strong evidence for causality. These reports do not provide unequivocal conclusions about association of the variant with breast or prostate cancer. At least two publications report experimental evidence evaluating an impact on protein function(e.g. Navrkalova_2013, te Raa_2015), however, none of these studies allows convincing conclusions about the variant effect. The variant was reported to not affect protein expression, but diminish autophosphorylation function, though primary evidence was not provided for independent evaluation. The following publications have been ascertained in the context of this evaluation (PMID: 35467778, 29922827, 36315919, 26822949, 30128536, 23585524, 36029002, 32183364, 31054420, 26681312, 25480502, 31919090, 19781682, 12810666, 36627197, 26247737). Seven submitters have cited clinical-significance assessments for this variant to ClinVar after 2014. Five submitters classified the variant as uncertain significance and two classified it as pathogenic/likely pathogenic. Based on the evidence outlined above, the variant was classified as uncertain significance.

Baylor Genetics
Classification: Uncertain significance for Familial cancer of breast. Last evaluated: 2023-10-06. Review status: criteria provided, single submitter. Criteria: ACMG Guidelines, 2015. Collection method: clinical testing. Allele origin: unknown.

MGZ Medical Genetics Center
Classification: Uncertain significance for Familial cancer of breast. Last evaluated: 2022-07-28. Review status: criteria provided, single submitter. Criteria: ACMG Guidelines, 2015. Collection method: clinical testing. Allele origin: germline. Affected: yes. Observed: 2 variant alleles.
Comment: ACMG criteria applied: PM2_SUP, PP3

Mendelics
Classification: Pathogenic for Familial cancer of breast. Last evaluated: 2022-05-04. Review status: criteria provided, single submitter. Criteria: Mendelics Assertion Criteria 2019. Collection method: clinical testing. Allele origin: germline.

Department of Pathology and Laboratory Medicine, Sinai Health System
Classification: Uncertain significance for Familial colorectal cancer type X. Last evaluated: 2021-09-07. Review status: criteria provided, single submitter. Criteria: ACMG Guidelines, 2015. Collection method: clinical testing. Allele origin: germline. Affected: yes.

Literature cited by the submitters: PubMed 23585524 (cited by 5 submitters); PubMed 26681312 (cited by 3 submitters); PubMed 29922827 (cited by 3 submitters); PubMed 30128536 (cited by 3 submitters); PubMed 38673061 (cited by Labcorp Genetics (formerly Invitae), Labcorp and Color Diagnostics, LLC DBA Color Health); PubMed 12810666 (cited by Color Diagnostics, LLC DBA Color Health and Women's Health and Genetics/Laboratory Corporation of America, LabCorp); PubMed 19781682 (cited by 3 submitters); PubMed 22071889 (cited by Color Diagnostics, LLC DBA Color Health); PubMed 26822949 (cited by Color Diagnostics, LLC DBA Color Health and Women's Health and Genetics/Laboratory Corporation of America, LabCorp); PubMed 33471991 (cited by Color Diagnostics, LLC DBA Color Health); PubMed 36029002 (cited by Color Diagnostics, LLC DBA Color Health and Women's Health and Genetics/Laboratory Corporation of America, LabCorp); PubMed 36627197 (cited by Color Diagnostics, LLC DBA Color Health and Women's Health and Genetics/Laboratory Corporation of America, LabCorp); PubMed 29522266 (cited by Ambry Genetics); PubMed 25480502 (cited by Women's Health and Genetics/Laboratory Corporation of America, LabCorp); PubMed 26247737 (cited by Women's Health and Genetics/Laboratory Corporation of America, LabCorp); PubMed 32183364 (cited by Women's Health and Genetics/Laboratory Corporation of America, LabCorp and Department of Pathology and Laboratory Medicine, Sinai Health System); PubMed 31054420 (cited by Women's Health and Genetics/Laboratory Corporation of America, LabCorp); PubMed 35467778 (cited by Women's Health and Genetics/Laboratory Corporation of America, LabCorp); PubMed 36315919 (cited by Women's Health and Genetics/Laboratory Corporation of America, LabCorp).